The following is an entry in ClinVar:

NM_000179.3(MSH6):c.2587G>A (p.Glu863Lys)

Gene: MSH6 (mutS homolog 6; plus strand). Cytogenetic location: 2p16.3.
Variant type: single nucleotide variant.
Coding change: c.2587G>A on transcript NM_000179.3 (MANE Select); coding-DNA position 2587, G replaced by A.
Protein change: p.Glu863Lys; replaces glutamic acid 863 with lysine.
Molecular consequence: missense variant. On other transcripts: non-coding transcript variant (5), intron variant (3).
Genome position (GRCh38, 1-based): chr2:47,800,570, G>A. VCF-style: chr2-47800570-G-A. GRCh37 (hg19) VCF-style: chr2-48027709-G-A.
Other names: c.2197G>A, p.Glu733Lys (NM_001281492.2); c.1681G>A, p.Glu561Lys (NM_001281493.2, NM_001406811.1, NM_001406812.1 and 6 more transcripts); c.2587G>A, p.Glu863Lys (NM_001406808.1, NM_001406809.1, NM_001406796.1 and 2 more transcripts); c.2593G>A, p.Glu865Lys (NM_001406813.1); c.2290G>A, p.Glu764Lys (NM_001406818.1, NM_001406830.1, NM_001406797.1 and 10 more transcripts); c.2308+279G>A (NM_001406803.1); c.1606+981G>A (NM_001406817.1); c.628-96G>A (NM_001407362.1); and 4 more; short protein forms E688K, E733K, E807K, E561K, E837K, E764K, E863K, E865K.
Identifiers: ClinVar variation 2736254 (VCV002736254.3), dbSNP rs2104413891, ClinGen allele CA346754825.

ClinVar aggregate classification (germline): Uncertain significance (1 of 4 stars; one submission).

Conditions:
Hereditary nonpolyposis colorectal neoplasms. Identifiers: MedGen C0009405, MeSH D003123.

Submission:

Labcorp Genetics (formerly Invitae), Labcorp
Classification: Uncertain significance for Hereditary nonpolyposis colorectal neoplasms. Last evaluated: 2023-07-06. Review status: criteria provided, single submitter. Criteria: Invitae Variant Classification Sherloc (09022015). Collection method: clinical testing. Allele origin: germline.
Comment: This sequence change replaces glutamic acid, which is acidic and polar, with lysine, which is basic and polar, at codon 863 of the MSH6 protein (p.Glu863Lys). This variant is not present in population databases (gnomAD no frequency). This variant has not been reported in the literature in individuals affected with MSH6-related conditions. Advanced modeling of protein sequence and biophysical properties (such as structural, functional, and spatial information, amino acid conservation, physicochemical variation, residue mobility, and thermodynamic stability) performed at Invitae indicates that this missense variant is not expected to disrupt MSH6 protein function. In summary, the available evidence is currently insufficient to determine the role of this variant in disease. Therefore, it has been classified as a Variant of Uncertain Significance.